The following is an entry in ClinVar:

ClinVar aggregate classification (germline): Uncertain significance (1 of 4 stars; one submission).

Conditions:
Cardiovascular phenotype. Identifiers: MedGen CN230736.

Submission:

Ambry Genetics
Classification: Uncertain significance for Cardiovascular phenotype. Last evaluated: 2025-08-20. Review status: criteria provided, single submitter. Criteria: Ambry Variant Classification Scheme 2023. Collection method: clinical testing. Allele origin: germline.
Comment: The p.L591P variant (also known as c.1772T>C), located in coding exon 11 of the CBL gene, results from a T to C substitution at nucleotide position 1772. The leucine at codon 591 is replaced by proline, an amino acid with similar properties. This amino acid position is conserved. In addition, this alteration is predicted to be tolerated by in silico analysis. Based on the available evidence, the clinical significance of this variant remains unclear.

NM_005188.4(CBL):c.1772T>C (p.Leu591Pro)

Gene: CBL (Cbl proto-oncogene; plus strand). Cytogenetic location: 11q23.3.
Variant type: single nucleotide variant.
Coding change: c.1772T>C on transcript NM_005188.4 (MANE Select); coding-DNA position 1772, T replaced by C.
Protein change: p.Leu591Pro; replaces leucine 591 with proline.
Molecular consequence: missense variant.
Genome position (GRCh38, 1-based): chr11:119,285,397, T>C. VCF-style: chr11-119285397-T-C. GRCh37 (hg19) VCF-style: chr11-119156107-T-C.
Other names: short protein forms L591P.
Identifiers: ClinVar variation 4219904 (VCV004219904.1).